The following is an entry in ClinVar:

ClinVar aggregate classification (germline): Pathogenic (1 of 4 stars; one submission).

Conditions:
Chronic granulomatous disease. Identifiers: Orphanet 379, MedGen C0018203, MONDO:0018305.

Submission:

Women's Health and Genetics/Laboratory Corporation of America, LabCorp
Classification: Pathogenic for Chronic granulomatous disease. Last evaluated: 2025-09-15. Review status: criteria provided, single submitter. Criteria: LabCorp Variant Classification Summary - May 2015. Collection method: clinical testing. Allele origin: germline.
Comment: Variant summary: The variant involves the deletion of exons 1-6 in the CYBA gene. This deletion includes the entire coding sequence of the gene. As the exact proximal and distal breakpoints are unknown, it may extend beyond the annotated region of the gene to include other flanking genes. A presumed nomenclature of c.(?_-41)_(*65_?)del has been designated for the purposes of this classification. The variant allele was found at a frequency of 9.2e-05 in 21692 control chromosomes. To our knowledge, no occurrence of c.(?_-41)_(*65_?)del in individuals affected with CYBA-related conditions and no experimental evidence demonstrating its impact on protein function have been reported. ClinVar contains an entry for this variant (Variation ID: 3243439). Based on the evidence outlined above, the variant was classified as pathogenic.

NC_000016.9:g.(?_88709696)_(88717462_?)del

Gene: CYBA (cytochrome b-245 alpha chain; minus strand). Cytogenetic location: 16q24.3.
Variant type: Deletion.
Identifiers: ClinVar variation 4535536 (VCV004535536.1).